The following is an entry in ClinVar:

NM_001145475.3(FAM186A):c.4872G>T (p.Gly1624=)

Gene: FAM186A (family with sequence similarity 186 member A; minus strand). Cytogenetic location: 12q13.12.
Variant type: single nucleotide variant.
Coding change: c.4872G>T on transcript NM_001145475.3 (MANE Select); coding-DNA position 4872, G replaced by T.
Protein change: p.Gly1624=; no amino-acid change (glycine 1624 retained).
Molecular consequence: synonymous variant.
Genome position (GRCh38, 1-based): chr12:50,351,960, C>A on the plus strand (G>T on the coding strand, the complement: FAM186A is on the minus strand). VCF-style: chr12-50351960-C-A. GRCh37 (hg19) VCF-style: chr12-50745743-C-A.
Identifiers: ClinVar variation 3025413 (VCV003025413.22), dbSNP rs1336334766, ClinGen allele CA479769078.

ClinVar aggregate classification (germline): Likely benign (1 of 4 stars; one submission).

Submission:

CeGaT Center for Human Genetics Tuebingen
Classification: Likely benign. Last evaluated: 2026-03-01. Review status: criteria provided, single submitter. Criteria: CeGaT Center For Human Genetics Tuebingen Variant Classification Criteria Version 2. Collection method: clinical testing. Allele origin: germline. Affected: yes. Observed: 2 variant alleles.
Comment: FAM186A: BP4, BP7